The following is an entry in ClinVar:

ClinVar aggregate classification (germline): Uncertain significance (1 of 4 stars; one submission).

Allele frequency attached by ClinVar (database versions not stated): gnomAD exomes below 0.00001; TOPMed below 0.00001; gnomAD 0.00001.

Submission:

GeneDx
Classification: Uncertain significance. Last evaluated: 2022-09-23. Review status: criteria provided, single submitter. Criteria: GeneDx Variant Classification Process June 2021. Collection method: clinical testing. Allele origin: germline. Affected: yes.
Comment: Not observed at significant frequency in large population cohorts (gnomAD); In silico analysis supports that this missense variant does not alter protein structure/function; Has not been previously published as pathogenic or benign to our knowledge

NM_183357.3(ADCY5):c.89C>T (p.Ser30Phe)

Gene: ADCY5 (adenylate cyclase 5; minus strand). Cytogenetic location: 3q21.1.
Variant type: single nucleotide variant.
Coding change: c.89C>T on transcript NM_183357.3 (MANE Select); coding-DNA position 89, C replaced by T.
Protein change: p.Ser30Phe; replaces serine 30 with phenylalanine.
Molecular consequence: missense variant.
Genome position (GRCh38, 1-based): chr3:123,448,457, G>A on the plus strand (C>T on the coding strand, the complement: ADCY5 is on the minus strand). VCF-style: chr3-123448457-G-A. GRCh37 (hg19) VCF-style: chr3-123167304-G-A.
Other names: c.89C>T, p.Ser30Phe (NM_001378259.1); short protein forms S30F.
Identifiers: ClinVar variation 2446295 (VCV002446295.1), dbSNP rs1455983225, ClinGen allele CA354358940.